The following is an entry in ClinVar:

NM_002677.5(PMP2):c.311C>A (p.Thr104Asn)

Gene: PMP2 (peripheral myelin protein 2; minus strand). Cytogenetic location: 8q21.13.
Variant type: single nucleotide variant.
Coding change: c.311C>A on transcript NM_002677.5 (MANE Select); coding-DNA position 311, C replaced by A.
Protein change: p.Thr104Asn; replaces threonine 104 with asparagine.
Molecular consequence: missense variant.
Genome position (GRCh38, 1-based): chr8:81,444,537, G>T on the plus strand (C>A on the coding strand, the complement: PMP2 is on the minus strand). VCF-style: chr8-81444537-G-T. GRCh37 (hg19) VCF-style: chr8-82356772-G-T.
Other names: c.311C>A (NM_002677.3); c.138C>A, p.Asn46Lys (NM_001348381.2); short protein forms N46K, T104N.
Identifiers: ClinVar variation 1956159 (VCV001956159.6), dbSNP rs772030481, ClinGen allele CA4791922.
Genomic context (GRCh38, chr8:81,444,537, plus strand): 5'-TTTAGAAGTAAAGATACTCTTACCGCTACCATTTTCCCATTCACTAGCTTTCTCTTTATG[G>T]TTGTCTCTTTGCCATCCCATCTCTGCACTTGATTCAGTGATCCTCTCTGCAGGGTTACGA-3'
Protein context (NP_002668.1, residues 94-114): QVQRWDGKET[Thr104Asn]IKRKLVNGKM

ClinVar aggregate classification (germline): Uncertain significance. Review status: criteria provided, multiple submitters, no conflicts (2 of 4 stars). 2 submissions from 2 submitters: Uncertain significance (2). Last evaluated 2025-12-11.

Conditions:
Inborn genetic diseases. Identifiers: MedGen C0950123, MeSH D030342.

Allele frequency attached by ClinVar (database versions not stated): ExAC 0.00001; gnomAD 0.00001; TOPMed 0.00002.

Submissions (2):

Ambry Genetics
Classification: Uncertain significance for Inborn genetic diseases. Last evaluated: 2025-12-11. Review status: criteria provided, single submitter. Criteria: Ambry Variant Classification Scheme 2023. Collection method: clinical testing. Allele origin: germline.

Labcorp Genetics (formerly Invitae), Labcorp
Classification: Uncertain significance. Last evaluated: 2022-05-15. Review status: criteria provided, single submitter. Criteria: Invitae Variant Classification Sherloc (09022015). Collection method: clinical testing. Allele origin: germline.
Comment: This sequence change replaces threonine, which is neutral and polar, with asparagine, which is neutral and polar, at codon 104 of the PMP2 protein (p.Thr104Asn). This variant is present in population databases (rs772030481, gnomAD 0.003%). This variant has not been reported in the literature in individuals affected with PMP2-related conditions. Algorithms developed to predict the effect of missense changes on protein structure and function are either unavailable or do not agree on the potential impact of this missense change (SIFT: "Tolerated"; PolyPhen-2: "Possibly Damaging"; Align-GVGD: "Class C0"). In summary, the available evidence is currently insufficient to determine the role of this variant in disease. Therefore, it has been classified as a Variant of Uncertain Significance.